The following is an entry in ClinVar:

ClinVar aggregate classification (germline): Conflicting classifications of pathogenicity. Review status: criteria provided, conflicting classifications (1 of 4 stars). 6 submissions from 6 submitters: Uncertain significance (5); Likely benign (1). Last evaluated 2025-12-05.

Conditions:
Hereditary cancer-predisposing syndrome. Also called: Tumor predisposition; Hereditary neoplastic syndrome; Hereditary Cancer Syndrome; Neoplastic Syndromes, Hereditary. Identifiers: Orphanet 140162, MedGen C0027672, MeSH D009386, MONDO:0015356.
Breast-ovarian cancer, familial, susceptibility to, 1 (BROVCA1). Also called: BRCA1 Hereditary Breast and Ovarian Cancer; OVARIAN CANCER, SUSCEPTIBILITY TO. Identifiers: Orphanet 145, MedGen C2676676, MONDO:0011450, OMIM 604370. Disease mechanism: loss of function.

Submissions (6):

Women's Health and Genetics/Laboratory Corporation of America, LabCorp
Classification: Uncertain significance. Last evaluated: 2025-12-05. Review status: criteria provided, single submitter. Criteria: LabCorp Variant Classification Summary - May 2015. Collection method: clinical testing. Allele origin: germline.

All of Us Research Program, National Institutes of Health
Classification: Uncertain significance for Breast-ovarian cancer, familial, susceptibility to, 1. Last evaluated: 2023-06-15. Review status: criteria provided, single submitter. Criteria: ACMG Guidelines, 2015. Collection method: clinical testing. Allele origin: germline. Inheritance: Autosomal dominant inheritance. Observed: 1 variant allele, 1 heterozygote.
Comment: This missense variant replaces serine with isoleucine at codon 1266 of the BRCA1 protein. Computational prediction is inconclusive regarding the impact of this variant on protein structure and function (internally defined REVEL score threshold 0.5 < inconclusive < 0.7, PMID: 27666373). To our knowledge, functional studies have not been reported for this variant. This variant has not been reported in individuals affected with hereditary cancer in the literature. This variant has not been identified in the general population by the Genome Aggregation Database (gnomAD). The available evidence is insufficient to determine the role of this variant in disease conclusively. Therefore, this variant is classified as a Variant of Uncertain Significance.

This study involves interpretation of variants in research participants for the purpose of population health screening. Participant phenotype was not available at the time of variant classification. Additional details can be found in publication PMID: 35346344, PMCID: PMC8962531

University of Washington Department of Laboratory Medicine, University of Washington
Classification: Likely benign for Hereditary cancer-predisposing syndrome. Last evaluated: 2023-03-23. Review status: criteria provided, single submitter. Criteria: Dines et al. (Genet Med. 2020). Collection method: curation. Allele origin: germline.
Comment: Missense variant in a coldspot region where missense variants are very unlikely to be pathogenic (PMID:31911673).

BRCA1 coldspot (exon 11 using historical exon numbering). Reclassification based on statistical prior probability

Color Diagnostics, LLC DBA Color Health
Classification: Uncertain significance for Hereditary cancer-predisposing syndrome. Last evaluated: 2021-12-15. Review status: criteria provided, single submitter. Criteria: ACMG Guidelines, 2015. Collection method: clinical testing. Allele origin: germline.
Comment: This missense variant replaces serine with isoleucine at codon 1266 of the BRCA1 protein. Computational prediction is inconclusive regarding the impact of this variant on protein structure and function (internally defined REVEL score threshold 0.5 < inconclusive < 0.7, PMID: 27666373). To our knowledge, functional studies have not been reported for this variant. This variant has not been reported in individuals affected with hereditary cancer in the literature. This variant has not been identified in the general population by the Genome Aggregation Database (gnomAD). The available evidence is insufficient to determine the role of this variant in disease conclusively. Therefore, this variant is classified as a Variant of Uncertain Significance.

GeneDx
Classification: Uncertain significance. Last evaluated: 2016-01-28. Review status: criteria provided, single submitter. Criteria: GeneDx Variant Classification (06012015). Collection method: clinical testing. Allele origin: germline. Affected: yes.
Comment: This variant is denoted BRCA1 c.3797G>T at the cDNA level, p.Ser1266Ile (S1266I) at the protein level, and results in the change of a Serine to an Isoleucine (AGC>ATC). Using alternate nomenclature, this variant would be defined as BRCA1 3916G>T. This variant has not, to our knowledge, been published in the literature as pathogenic or benign. BRCA1 Ser1266Ile was not observed in approximately 6,500 individuals of European and African American ancestry in the NHLBI Exome Sequencing Project, suggesting it is not a common benign variant in these populations. Since Serine and Isoleucine differ in polarity, charge, size or other properties, this is considered a non-conservative amino acid substitution. BRCA1 Ser1266Ile occurs at a position that is not conserved and is not located in a known functional domain (UniProt, Paul 2014). In silico analyses are inconsistent regarding the effect this variant may have on protein structure and function. Based on currently available evidence, it is unclear whether BRCA1 Ser1266Ile is pathogenic or benign. We consider it to be a variant of uncertain significance.

Ambry Genetics
Classification: Uncertain significance for Hereditary cancer-predisposing syndrome. Last evaluated: 2013-12-24. Review status: criteria provided, single submitter. Criteria: Ambry Autosomal Dominant and X-Linked criteria (10/2015). Collection method: clinical testing. Allele origin: germline. Observed: 1 variant allele.
Comment: The p.S1266I variant (also known as c.3797G>T or3916G>T), located in coding exon 9 of the BRCA1 gene, results from a G to T substitution at nucleotide position 3797. The serine at codon 1266 is replaced by isoleucine, an amino acid with dissimilar properties. This variant was not reported in population based cohorts in the following databases: Database of Single Nucleotide Polymorphisms (dbSNP), NHLBI Exome Sequencing Project (ESP), and 1000 Genomes Project. This amino acid position is moderately conserved in available vertebrate species. In addition, this alteration is predicted to be benign and deleterious by PolyPhen and SIFT in silico analyses, respectively.Since supporting evidence is limited at this time, the clinical significance ofp.S1266Iremains unclear.

NM_007294.4(BRCA1):c.3797G>T (p.Ser1266Ile)

Genes: BRCA1 (BRCA1 DNA repair associated; minus strand), LOC126862571 (BRD4-independent group 4 enhancer GRCh37_chr17:41243136-41244335; plus strand). Cytogenetic location: 17q21.31.
Variant type: single nucleotide variant.
Coding change: c.3797G>T on transcript NM_007294.4 (MANE Select); coding-DNA position 3797, G replaced by T.
Protein change: p.Ser1266Ile; replaces serine 1266 with isoleucine.
Molecular consequence: missense variant. On other transcripts: intron variant (135).
Genome position (GRCh38, 1-based): chr17:43,091,734, C>A on the plus strand (G>T on the coding strand, the complement: BRCA1 is on the minus strand). VCF-style: chr17-43091734-C-A. GRCh37 (hg19) VCF-style: chr17-41243751-C-A.
Other names: c.3671G>T, p.Ser1224Ile (NM_001407689.1, NM_001407690.1, NM_001407691.1 and 11 more transcripts); c.3656G>T, p.Ser1219Ile (NM_001407692.1, NM_001407694.1, NM_001407695.1 and 29 more transcripts); c.3653G>T, p.Ser1218Ile (NM_001407740.1, NM_001407741.1, NM_001407742.1 and 20 more transcripts); c.3584G>T, p.Ser1195Ile (NM_001407853.1, NM_001407894.1, NM_001407895.1 and 9 more transcripts); c.3797G>T, p.Ser1266Ile (NM_001407854.1, NM_001407858.1, NM_001407859.1 and 30 more transcripts); c.3794G>T, p.Ser1265Ile (NM_001407860.1, NM_001407861.1, NM_001407587.1 and 22 more transcripts); c.3596G>T, p.Ser1199Ile (NM_001407862.1); c.3674G>T, p.Ser1225Ile (NM_001407863.1, NM_001407919.1, NM_001407937.1 and 19 more transcripts); and 41 more; short protein forms S1266I, S1219I, S1139I, S1177I, S1225I, S1239I, S1240I, S970I.
Identifiers: ClinVar variation 141540 (VCV000141540.14), dbSNP rs80357160, ClinGen allele CA002446.